The following is an entry in ClinVar:

NM_004369.4(COL6A3):c.3347T>C (p.Leu1116Pro)

Gene: COL6A3 (collagen type VI alpha 3 chain; minus strand). Cytogenetic location: 2q37.3.
Variant type: single nucleotide variant.
Coding change: c.3347T>C on transcript NM_004369.4 (MANE Select); coding-DNA position 3347, T replaced by C.
Protein change: p.Leu1116Pro; replaces leucine 1116 with proline.
Molecular consequence: missense variant.
Genome position (GRCh38, 1-based): chr2:237,374,744, A>G on the plus strand (T>C on the coding strand, the complement: COL6A3 is on the minus strand). VCF-style: chr2-237374744-A-G. GRCh37 (hg19) VCF-style: chr2-238283387-A-G.
Other names: c.2126T>C, p.Leu709Pro (NM_057164.5); c.2729T>C, p.Leu910Pro (NM_057165.5, NM_057167.4); c.1526T>C, p.Leu509Pro (NM_057166.5); short protein forms L709P, L910P, L509P, L1116P.
Identifiers: ClinVar variation 2203292 (VCV002203292.4), dbSNP rs1391569208, ClinGen allele CA351203538.

ClinVar aggregate classification (germline): Uncertain significance (1 of 4 stars; one submission).

Conditions:
Bethlem myopathy 1A. Also called: Bethlem Muscular Dystrophy; MYOPATHY, BENIGN CONGENITAL, WITH CONTRACTURES; Bethlem myopathy 1. Identifiers: Orphanet 610, MedGen CN029274, MONDO:0024530, OMIM 158810.

Allele frequency attached by ClinVar (database versions not stated): gnomAD 0.00004; TOPMed 0.00008; gnomAD exomes below 0.00001.
gnomAD v4.1: 9 of 1,613,554 alleles (0.00056%); highest among the groups gnomAD compares: Admixed American, 0.015%; no homozygotes.

Submission:

Labcorp Genetics (formerly Invitae), Labcorp
Classification: Uncertain significance for Bethlem myopathy 1A. Last evaluated: 2026-01-06. Review status: criteria provided, single submitter. Criteria: Invitae Variant Classification Sherloc (09022015). Collection method: clinical testing. Allele origin: germline.
Comment: This sequence change replaces leucine, which is neutral and non-polar, with proline, which is neutral and non-polar, at codon 1116 of the COL6A3 protein (p.Leu1116Pro). This variant is not present in population databases (gnomAD no frequency). This missense change has been observed in individual(s) with clinical features of COL6A3-related conditions (PMID: 25987458). ClinVar contains an entry for this variant (Variation ID: 2203292). Invitae Evidence Modeling of protein sequence and biophysical properties (such as structural, functional, and spatial information, amino acid conservation, physicochemical variation, residue mobility, and thermodynamic stability) indicates that this missense variant is not expected to disrupt COL6A3 protein function with a negative predictive value of 80%. In summary, the available evidence is currently insufficient to determine the role of this variant in disease. Therefore, it has been classified as a Variant of Uncertain Significance.

Literature cited by the submitters: PubMed 25987458.